The following is an entry in ClinVar:

NM_001256007.3(PNPLA8):c.634_637del (p.Asn212fs)

Gene: PNPLA8 (patatin like domain 8, phospholipase A2; minus strand). Cytogenetic location: 7q31.1.
Variant type: Deletion.
Coding change: c.634_637del on transcript NM_001256007.3 (MANE Select); coding-DNA positions 634 to 637, 4 bases deleted (AATT; older notation c.634_637delAATT).
Protein change: p.Asn212fs; shifts the reading frame from asparagine 212.
Molecular consequence: frameshift variant.
Genome position (GRCh38, 1-based): chr7:108,514,855-108,514,858, AATT deleted on the plus strand (AATT on the coding strand, the reverse complement: PNPLA8 is on the minus strand); deleting any 4 consecutive bases within chr7:108,514,855-108,514,861 gives the same sequence; the c. name uses the placement nearest the transcript's 3' end. VCF-style (leftmost placement, unchanged base first): chr7-108514854-GAATT-G. GRCh37 (hg19) VCF-style: chr7-108155298-GAATT-G.
Other names: c.634_637del, p.Asn212fs (NM_001256008.3, NM_001256009.3, NM_015723.5); c.334_337del, p.Asn112fs (NM_001256010.3, NM_001256011.3); short protein forms N112fs, N212fs.
Identifiers: ClinVar variation 190127 (VCV000190127.5), dbSNP rs786205882, ClinGen allele CA199571.

ClinVar aggregate classification (germline): Pathogenic. Review status: criteria provided, single submitter (1 of 4 stars). 2 submissions from 2 submitters: Pathogenic (1). 1 of the submissions does not count toward it. Last evaluated 2024-12-29.

Conditions:
Mitochondrial myopathy-lactic acidosis-deafness syndrome. Identifiers: Orphanet 2597, MedGen C1855033, MONDO:0016825, OMIM 251950.

Submissions (2):

Labcorp Genetics (formerly Invitae), Labcorp
Classification: Pathogenic. Last evaluated: 2024-12-29. Review status: criteria provided, single submitter. Criteria: Invitae Variant Classification Sherloc (09022015). Collection method: clinical testing. Allele origin: germline.
Comment: This sequence change creates a premature translational stop signal (p.Asn212Hisfs*29) in the PNPLA8 gene. It is expected to result in an absent or disrupted protein product. Loss-of-function variants in PNPLA8 are known to be pathogenic (PMID: 29681094). This variant is not present in population databases (gnomAD no frequency). This premature translational stop signal has been observed in individual(s) with clinical features of mitochondrial myopathy with lactic acidosis (PMID: 25512002). This variant is also known as c.334_337delAATT (p.Asn112HisfsX29). ClinVar contains an entry for this variant (Variation ID: 190127). For these reasons, this variant has been classified as Pathogenic.

OMIM
Classification: Pathogenic for MITOCHONDRIAL MYOPATHY WITH LACTIC ACIDOSIS. Last evaluated: 2015-03-01. Review status: no assertion criteria provided. Collection method: literature only. Allele origin: germline. Not counted in ClinVar's aggregate classification.

Literature cited by the submitters: PubMed 29681094 (cited by Labcorp Genetics (formerly Invitae), Labcorp); PubMed 25512002 (cited by Labcorp Genetics (formerly Invitae), Labcorp and OMIM); PubMed 19840936 (cited by OMIM).